The following is an entry in ClinVar:

ClinVar aggregate classification (germline): Uncertain significance (1 of 4 stars; one submission).

Conditions:
Primary ciliary dyskinesia. Also called: Ciliary dyskinesia. Identifiers: Orphanet 244, MedGen C0008780, MONDO:0016575, HP:0012265.

gnomAD v4.1: 78 of 1,398,660 alleles (0.0056%); highest among the groups gnomAD compares: Non-Finnish European, 0.0068%; no homozygotes.

Submission:

Department of Human Genetics, Hannover Medical School
Classification: Uncertain significance for Primary Ciliary Dyskinesia. Last evaluated: 2026-04-01. Review status: criteria provided, single submitter. Criteria: ACMG Guidelines, 2015. Collection method: research. Allele origin: germline. Affected: no.
Comment: Classification performed by HerediClassify using the following criteria:['PM2_supporting: Variant occures does not occur as homozygous in gnomAD.', 'PVS1_protein_strong: Transcript ENST00000604641 is not predicted to undergo NMD. Protein length change of 0.5545454545454546 observed.']

NM_139285.4(GAS2L2):c.1177C>T (p.Arg393Ter)

Gene: GAS2L2 (growth arrest specific 2 like 2; minus strand). Cytogenetic location: 17q12.
Variant type: single nucleotide variant.
Coding change: c.1177C>T on transcript NM_139285.4 (MANE Select); coding-DNA position 1177, C replaced by T.
Protein change: p.Arg393Ter; replaces arginine 393 with a stop codon.
Molecular consequence: nonsense.
Genome position (GRCh38, 1-based): chr17:35,746,320, G>A on the plus strand (C>T on the coding strand, the complement: GAS2L2 is on the minus strand). VCF-style: chr17-35746320-G-A. GRCh37 (hg19) VCF-style: chr17-34073339-G-A.
Other names: short protein forms R393*.
Identifiers: ClinVar variation 4880077 (VCV004880077.1).